The following is an entry in ClinVar:

NM_001378778.1(MPDZ):c.439_441dup (p.Gly147dup)

Gene: MPDZ (multiple PDZ domain crumbs cell polarity complex component; minus strand). Cytogenetic location: 9p23.
Variant type: Duplication.
Coding change: c.439_441dup on transcript NM_001378778.1 (MANE Select); coding-DNA positions 439 to 441, 3 bases duplicated (GGC; older notation c.439_441dupGGC).
Protein change: p.Gly147dup; duplicates glycine 147.
Molecular consequence: inframe insertion.
Genome position (GRCh38, 1-based): chr9:13,223,663-13,223,665, GCC duplicated on the plus strand (GGC on the coding strand, the reverse complement: MPDZ is on the minus strand). VCF-style (leftmost placement, unchanged base first): chr9-13223662-G-GGCC. GRCh37 (hg19) VCF-style: chr9-13223661-G-GGCC.
Other names: c.439_441dup, p.Gly147dup (NM_001261406.2, NM_001261407.2, NM_001330637.2 and 14 more transcripts).
Identifiers: ClinVar variation 1430307 (VCV001430307.6), dbSNP rs755366598, ClinGen allele CA4988116.

ClinVar aggregate classification (germline): Uncertain significance (1 of 4 stars; one submission).

Allele frequency attached by ClinVar (database versions not stated): gnomAD 0.00003 and 0.00005; gnomAD exomes 0.00004 and 0.00011; ExAC 0.00005; TOPMed 0.00005.

Submission:

Labcorp Genetics (formerly Invitae), Labcorp
Classification: Uncertain significance. Last evaluated: 2022-09-27. Review status: criteria provided, single submitter. Criteria: Invitae Variant Classification Sherloc (09022015). Collection method: clinical testing. Allele origin: germline.
Comment: In summary, the available evidence is currently insufficient to determine the role of this variant in disease. Therefore, it has been classified as a Variant of Uncertain Significance. Experimental studies and prediction algorithms are not available or were not evaluated, and the functional significance of this variant is currently unknown. ClinVar contains an entry for this variant (Variation ID: 1430307). This variant has not been reported in the literature in individuals affected with MPDZ-related conditions. This variant is present in population databases (rs755366598, gnomAD 0.06%). This variant, c.439_441dup, results in the insertion of 1 amino acid(s) of the MPDZ protein (p.Gly147dup), but otherwise preserves the integrity of the reading frame.